The following is an entry in ClinVar:

ClinVar aggregate classification (germline): Uncertain significance. Review status: criteria provided, multiple submitters, no conflicts (2 of 4 stars). 3 submissions from 3 submitters: Uncertain significance (3). Last evaluated 2026-07-02.

Conditions:
Familial thoracic aortic aneurysm and aortic dissection (TAAD). Also called: Thoracic aortic aneurysms and dissections. Identifiers: Orphanet 91387, MedGen C4707243, MONDO:0019625.
Aortic aneurysm, familial thoracic 4 (AAT4). Also called: AORTIC ANEURYSM/AORTIC DISSECTION AND PATENT DUCTUS ARTERIOSUS. Identifiers: MedGen C1851504, MONDO:0007568, OMIM 132900.

Allele frequency attached by ClinVar (database versions not stated): gnomAD exomes below 0.00001.
gnomAD v4.1: 2 of 1,613,880 alleles (0.00012%); highest among the groups gnomAD compares: Non-Finnish European, 0.00017%; no homozygotes.

Submissions (3):

Ambry Genetics
Classification: Uncertain significance for Familial thoracic aortic aneurysm and aortic dissection. Last evaluated: 2026-07-02. Review status: criteria provided, single submitter. Criteria: Ambry Variant Classification Scheme 2023. Collection method: clinical testing. Allele origin: germline.
Comment: The p.D621N variant (also known as c.1861G>A), located in coding exon 14 of the MYH11 gene, results from a G to A substitution at nucleotide position 1861. The aspartic acid at codon 621 is replaced by asparagine, an amino acid with highly similar properties. This amino acid position is conserved. In addition, this alteration is predicted to be tolerated by in silico analysis. Based on the available evidence, the clinical significance of this variant remains unclear.

All of Us Research Program, National Institutes of Health
Classification: Uncertain significance for Familial thoracic aortic aneurysm and aortic dissection. Last evaluated: 2024-01-11. Review status: criteria provided, single submitter. Criteria: ACMG Guidelines, 2015. Collection method: clinical testing. Allele origin: germline. Inheritance: Autosomal dominant inheritance. Observed: 1 variant allele, 1 heterozygote.
Comment: This study involves interpretation of variants in research participants for the purpose of population health screening. Participant phenotype was not available at the time of variant classification. Additional details can be found in publication PMID: 35346344, PMCID: PMC8962531

Labcorp Genetics (formerly Invitae), Labcorp
Classification: Uncertain significance for Aortic aneurysm, familial thoracic 4. Last evaluated: 2022-12-17. Review status: criteria provided, single submitter. Criteria: Invitae Variant Classification Sherloc (09022015). Collection method: clinical testing. Allele origin: germline.
Comment: This sequence change replaces aspartic acid, which is acidic and polar, with asparagine, which is neutral and polar, at codon 628 of the MYH11 protein (p.Asp628Asn). This variant is not present in population databases (gnomAD no frequency). This variant has not been reported in the literature in individuals affected with MYH11-related conditions. Advanced modeling of protein sequence and biophysical properties (such as structural, functional, and spatial information, amino acid conservation, physicochemical variation, residue mobility, and thermodynamic stability) performed at Invitae indicates that this missense variant is not expected to disrupt MYH11 protein function. In summary, the available evidence is currently insufficient to determine the role of this variant in disease. Therefore, it has been classified as a Variant of Uncertain Significance.

NM_002474.3(MYH11):c.1861G>A (p.Asp621Asn)

Gene: MYH11 (myosin heavy chain 11; minus strand). Cytogenetic location: 16p13.11.
Variant type: single nucleotide variant.
Coding change: c.1861G>A on transcript NM_002474.3 (MANE Select); coding-DNA position 1861, G replaced by A.
Protein change: p.Asp621Asn; replaces aspartic acid 621 with asparagine.
Molecular consequence: missense variant.
Genome position (GRCh38, 1-based): chr16:15,753,397, C>T on the plus strand (G>A on the coding strand, the complement: MYH11 is on the minus strand). VCF-style: chr16-15753397-C-T. GRCh37 (hg19) VCF-style: chr16-15847254-C-T.
Other names: c.1882G>A, p.Asp628Asn (NM_001040113.2, NM_001040114.2); c.1861G>A, p.Asp621Asn (NM_022844.3); c.1861G>A (NM_002474.2); short protein forms D621N, D628N.
Identifiers: ClinVar variation 2158700 (VCV002158700.6), dbSNP rs2506327300, ClinGen allele CA394869260.